The following is an entry in ClinVar:

ClinVar aggregate classification (germline): Conflicting classifications of pathogenicity. Review status: criteria provided, conflicting classifications (1 of 4 stars). 11 submissions from 7 submitters: Uncertain significance (4); Benign (2); Likely benign (5). Last evaluated 2026-01-05.

Conditions:
Cardiovascular phenotype. Identifiers: MedGen CN230736.
Autosomal recessive limb-girdle muscular dystrophy type 2J (LGMDR10). Also called: Limb-girdle muscular dystrophy, type 2J; MUSCULAR DYSTROPHY, LIMB-GIRDLE, AUTOSOMAL RECESSIVE 10. Identifiers: Orphanet 140922, MedGen C1837342, MONDO:0012127, OMIM 608807.
Dilated cardiomyopathy 1G (CMD1G). Identifiers: Orphanet 154, MedGen C1858763, MONDO:0011400, OMIM 604145.
Tibial muscular dystrophy (TMD). Also called: Tibial muscular dystrophy, tardive; UDD MYOPATHY; Udd Distal Myopathy – Tibial Muscular Dystrophy. Identifiers: Orphanet 609, MedGen C1838244, MONDO:0010870, OMIM 600334.
Early-onset myopathy with fatal cardiomyopathy (CMYO5). Also called: CONGENITAL MYOPATHY 5 WITH CARDIOMYOPATHY; Salih Myopathy. Identifiers: Orphanet 289377, MedGen C2673677, MONDO:0012714, OMIM 611705. Disease mechanism: loss of function.
Myopathy, myofibrillar, 9, with early respiratory failure (MFM9). Also called: Hereditary myopathy with early respiratory failure; EDSTROM MYOPATHY; MYOPATHY, PROXIMAL, WITH EARLY RESPIRATORY MUSCLE INVOLVEMENT; Myopathy, distal, with early respiratory failure, autosomal dominant. Identifiers: Orphanet 178464, Orphanet 34521, MedGen C1863599, MONDO:0011362, OMIM 603689.

Allele frequency attached by ClinVar (database versions not stated): TOPMed 0.00004; gnomAD 0.00005 and 0.00006; gnomAD exomes 0.00007 and 0.00009; ExAC 0.00012.
gnomAD v4.1: 112 of 1,610,910 alleles (0.007%); highest among the groups gnomAD compares: Non-Finnish European, 0.0081%; no homozygotes.

Submissions (11):

Labcorp Genetics (formerly Invitae), Labcorp
Classification: Likely benign for Dilated cardiomyopathy 1G; Autosomal recessive limb-girdle muscular dystrophy type 2J. Last evaluated: 2026-01-05. Review status: criteria provided, single submitter. Criteria: Invitae Variant Classification Sherloc (09022015). Collection method: clinical testing. Allele origin: germline.

Blueprint Genetics
Classification: Likely benign. Last evaluated: 2024-10-31. Review status: criteria provided, single submitter. Criteria: ACMG Guidelines, 2015. Collection method: clinical testing. Allele origin: germline.

Ambry Genetics
Classification: Likely benign for Cardiovascular phenotype. Last evaluated: 2021-05-20. Review status: criteria provided, single submitter. Criteria: Ambry Variant Classification Scheme 2023. Collection method: clinical testing. Allele origin: germline.

Illumina Laboratory Services, Illumina
Classification: Benign for Tibial muscular dystrophy. Last evaluated: 2018-01-13. Review status: criteria provided, single submitter. Criteria: ICSL Variant Classification Criteria 13 December 2019. Collection method: clinical testing. Allele origin: germline.
Comment: This variant was observed in the ICSL laboratory as part of a predisposition screen in an ostensibly healthy population. It had not been previously curated by ICSL or reported in the Human Gene Mutation Database (HGMD: prior to June 1st, 2018), and was therefore a candidate for classification through an automated scoring system. Utilizing variant allele frequency, disease prevalence and penetrance estimates, and inheritance mode, an automated score was calculated to assess if this variant is too frequent to cause the disease. Based on the score and internal cut-off values, a variant classified as benign is not then subjected to further curation. The score for this variant resulted in a classification of benign for this disease.

Illumina Laboratory Services, Illumina
Classification: Uncertain significance for Dilated cardiomyopathy 1G. Last evaluated: 2018-01-13. Review status: criteria provided, single submitter. Criteria: ICSL Variant Classification Criteria 13 December 2019. Collection method: clinical testing. Allele origin: germline.

Illumina Laboratory Services, Illumina
Classification: Benign for Myopathy, myofibrillar, 9, with early respiratory failure. Last evaluated: 2018-01-13. Review status: criteria provided, single submitter. Criteria: ICSL Variant Classification Criteria 13 December 2019. Collection method: clinical testing. Allele origin: germline.
Comment: the same text as in the submission from Illumina Laboratory Services, Illumina above.

Illumina Laboratory Services, Illumina
Classification: Uncertain significance for Autosomal recessive limb-girdle muscular dystrophy type 2J. Last evaluated: 2018-01-13. Review status: criteria provided, single submitter. Criteria: ICSL Variant Classification Criteria 13 December 2019. Collection method: clinical testing. Allele origin: germline.

Illumina Laboratory Services, Illumina
Classification: Uncertain significance for Early-onset myopathy with fatal cardiomyopathy. Last evaluated: 2018-01-13. Review status: criteria provided, single submitter. Criteria: ICSL Variant Classification Criteria 13 December 2019. Collection method: clinical testing. Allele origin: germline.

GeneDx
Classification: Likely benign. Last evaluated: 2017-08-08. Review status: criteria provided, single submitter. Criteria: GeneDx Variant Classification (06012015). Collection method: clinical testing. Allele origin: germline. Affected: yes.
Comment: This variant is considered likely benign or benign based on one or more of the following criteria: it is a conservative change, it occurs at a poorly conserved position in the protein, it is predicted to be benign by multiple in silico algorithms, and/or has population frequency not consistent with disease.

Eurofins Ntd Llc (ga)
Classification: Uncertain significance. Last evaluated: 2017-02-24. Review status: criteria provided, single submitter. Criteria: EGL Classification Definitions 2015. Collection method: clinical testing. Allele origin: germline. Observed: 1 variant allele, 1 heterozygote.

Laboratory for Molecular Medicine, Mass General Brigham Personalized Medicine
Classification: Likely benign. Last evaluated: 2014-05-22. Review status: criteria provided, single submitter. Criteria: LMM Criteria. Collection method: clinical testing. Allele origin: germline. Observed: 1 variant allele.
Comment: Val20168Val in Exon 269 of TTN: This variant is not expected to have clinical si gnificance because it does not alter an amino acid residue, is not located withi n the splice consensus sequence.

NM_001267550.2(TTN):c.68208T>A (p.Val22736=)

Genes: TTN (titin; minus strand), TTN-AS1 (TTN antisense RNA 1; plus strand), LOC126806423 (CDK7 strongly-dependent group 2 enhancer GRCh37_chr2:179443309-179444508; plus strand). Cytogenetic location: 2q31.2.
Variant type: single nucleotide variant.
Coding change: c.68208T>A on transcript NM_001267550.2 (MANE Select); coding-DNA position 68208, T replaced by A.
Protein change: p.Val22736=; no amino-acid change (valine 22736 retained).
Molecular consequence: synonymous variant.
Genome position (GRCh38, 1-based): chr2:178,578,822, A>T on the plus strand (T>A on the coding strand, the complement: TTN is on the minus strand). VCF-style: chr2-178578822-A-T. GRCh37 (hg19) VCF-style: chr2-179443549-A-T.
Other names: c.63285T>A, p.Val21095= (NM_001256850.1); c.60504T>A, p.Val20168= (NM_133378.4); c.41013T>A, p.Val13671= (NM_003319.4); c.41388T>A, p.Val13796= (NM_133432.3); c.41589T>A, p.Val13863= (NM_133437.4).
Identifiers: ClinVar variation 165874 (VCV000165874.25), dbSNP rs727503575, ClinGen allele CA178563.